The following is an entry in ClinVar:

NM_000836.4(GRIN2D):c.3946C>T (p.Arg1316Trp)

Gene: GRIN2D (glutamate ionotropic receptor NMDA type subunit 2D; plus strand). Cytogenetic location: 19q13.33.
Variant type: single nucleotide variant.
Coding change: c.3946C>T on transcript NM_000836.4 (MANE Select); coding-DNA position 3946, C replaced by T.
Protein change: p.Arg1316Trp; replaces arginine 1316 with tryptophan.
Molecular consequence: missense variant.
Genome position (GRCh38, 1-based): chr19:48,443,872, C>T. VCF-style: chr19-48443872-C-T. GRCh37 (hg19) VCF-style: chr19-48947129-C-T.
Other names: short protein forms R1316W.
Identifiers: ClinVar variation 3282785 (VCV003282785.2).

ClinVar aggregate classification (germline): Uncertain significance. Review status: criteria provided, multiple submitters, no conflicts (2 of 4 stars). 2 submissions from 2 submitters: Uncertain significance (2). Last evaluated 2025-12-15.

Conditions:
Inborn genetic diseases. Identifiers: MedGen C0950123, MeSH D030342.

gnomAD v4.1: 3 of 1,479,344 alleles (0.0002%); highest among the groups gnomAD compares: Non-Finnish European, 0.00027%; no homozygotes.

Submissions (2):

Labcorp Genetics (formerly Invitae), Labcorp
Classification: Uncertain significance. Last evaluated: 2025-12-15. Review status: criteria provided, single submitter. Criteria: Invitae Variant Classification Sherloc (09022015). Collection method: clinical testing. Allele origin: germline.
Comment: This sequence change replaces arginine, which is basic and polar, with tryptophan, which is neutral and slightly polar, at codon 1316 of the GRIN2D protein (p.Arg1316Trp). This variant is not present in population databases (gnomAD no frequency). This variant has not been reported in the literature in individuals affected with GRIN2D-related conditions. ClinVar contains an entry for this variant (Variation ID: 3282785). Invitae Evidence Modeling of protein sequence and biophysical properties (such as structural, functional, and spatial information, amino acid conservation, physicochemical variation, residue mobility, and thermodynamic stability) indicates that this missense variant is not expected to disrupt GRIN2D protein function with a negative predictive value of 95%. In summary, the available evidence is currently insufficient to determine the role of this variant in disease. Therefore, it has been classified as a Variant of Uncertain Significance.

Ambry Genetics
Classification: Uncertain significance for Inborn genetic diseases. Last evaluated: 2024-06-11. Review status: criteria provided, single submitter. Criteria: Ambry Variant Classification Scheme 2023. Collection method: clinical testing. Allele origin: germline.